The following is an entry in ClinVar:

NM_024513.4(FYCO1):c.3286G>A (p.Glu1096Lys)

Gene: FYCO1 (FYVE and coiled-coil domain autophagy adaptor 1; minus strand). Cytogenetic location: 3p21.31.
Variant type: single nucleotide variant.
Coding change: c.3286G>A on transcript NM_024513.4 (MANE Select); coding-DNA position 3286, G replaced by A.
Protein change: p.Glu1096Lys; replaces glutamic acid 1096 with lysine.
Molecular consequence: missense variant. On other transcripts: non-coding transcript variant (1).
Genome position (GRCh38, 1-based): chr3:45,962,376, C>T on the plus strand (G>A on the coding strand, the complement: FYCO1 is on the minus strand). VCF-style: chr3-45962376-C-T. GRCh37 (hg19) VCF-style: chr3-46003868-C-T.
Other names: c.3286G>A, p.Glu1096Lys (NM_001386421.1, NM_001386422.1, NM_001386423.1 and 4 more transcripts); c.3166G>A, p.Glu1056Lys (NM_001386426.1); c.3142G>A, p.Glu1048Lys (NM_001386427.1); c.2686G>A, p.Glu896Lys (NM_001386430.1); short protein forms E1048K, E1056K, E1096K, E896K.
Identifiers: ClinVar variation 2022308 (VCV002022308.3), dbSNP rs148106976, ClinGen allele CA2352824.

ClinVar aggregate classification (germline): Uncertain significance (1 of 4 stars; one submission).

Conditions:
Cataract 18 (CATC2). Also called: CATARACT 18, AUTOSOMAL RECESSIVE. Identifiers: Orphanet 91492, Orphanet 98991, Orphanet 98992, Orphanet 98995, MedGen C1864908, MONDO:0012395, OMIM 610019.

Allele frequency attached by ClinVar (database versions not stated): ExAC 0.00002; gnomAD 0.00003; TOPMed 0.00003.
gnomAD v4.1: 20 of 1,613,966 alleles (0.0012%); highest among the groups gnomAD compares: African/African-American, 0.0053%; no homozygotes.

Submission:

Labcorp Genetics (formerly Invitae), Labcorp
Classification: Uncertain significance for Cataract 18. Last evaluated: 2022-05-03. Review status: criteria provided, single submitter. Criteria: Invitae Variant Classification Sherloc (09022015). Collection method: clinical testing. Allele origin: germline.
Comment: This sequence change replaces glutamic acid, which is acidic and polar, with lysine, which is basic and polar, at codon 1096 of the FYCO1 protein (p.Glu1096Lys). In summary, the available evidence is currently insufficient to determine the role of this variant in disease. Therefore, it has been classified as a Variant of Uncertain Significance. Algorithms developed to predict the effect of missense changes on protein structure and function (SIFT, PolyPhen-2, Align-GVGD) all suggest that this variant is likely to be tolerated. This variant has not been reported in the literature in individuals affected with FYCO1-related conditions. This variant is present in population databases (rs148106976, gnomAD 0.004%).